The following is an entry in ClinVar:

ClinVar aggregate classification (germline): Conflicting classifications of pathogenicity. Review status: criteria provided, conflicting classifications (1 of 4 stars). 9 submissions from 8 submitters: Uncertain significance (7); Likely benign (2). Last evaluated 2026-01-20.

Conditions:
Cardiovascular phenotype. Identifiers: MedGen CN230736.
Arrhythmogenic right ventricular dysplasia 12. Also called: ARRHYTHMOGENIC RIGHT VENTRICULAR DYSPLASIA, FAMILIAL, 12. Identifiers: MedGen C1969081, MONDO:0012684, OMIM 611528.
Naxos disease (NXD). Also called: MAL DE NAXOS; PALMOPLANTAR KERATODERMA WITH ARRHYTHMOGENIC RIGHT VENTRICULAR CARDIOMYOPATHY AND WOOLLY HAIR; WOOLLY HAIR, PALMOPLANTAR KERATODERMA, AND CARDIAC ABNORMALITIES; CARDIOMYOPATHY, ARRHYTHMOGENIC RIGHT VENTRICULAR, WITH SKIN, HAIR, AND NAIL ABNORMALITIES; KERATOSIS PALMOPLANTARIS WITH ARRHYTHMOGENIC CARDIOMYOPATHY. Identifiers: Orphanet 34217, MedGen C1832600, MONDO:0011017, OMIM 601214.

Allele frequency attached by ClinVar (database versions not stated): gnomAD 0.00003 and 0.00004; TOPMed 0.00003; gnomAD exomes 0.00006; ExAC 0.00008.

Submissions (9):

Labcorp Genetics (formerly Invitae), Labcorp
Classification: Uncertain significance for Arrhythmogenic right ventricular dysplasia 12; Naxos disease. Last evaluated: 2026-01-20. Review status: criteria provided, single submitter. Criteria: Invitae Variant Classification Sherloc (09022015). Collection method: clinical testing. Allele origin: germline.
Comment: This sequence change replaces lysine, which is basic and polar, with asparagine, which is neutral and polar, at codon 345 of the JUP protein (p.Lys345Asn). This variant is present in population databases (rs150194093, gnomAD 0.01%). This variant has not been reported in the literature in individuals affected with JUP-related conditions. ClinVar contains an entry for this variant (Variation ID: 155802). An algorithm developed to predict the effect of missense changes on protein structure and function (PolyPhen-2) suggests that this variant is likely to be disruptive. In summary, the available evidence is currently insufficient to determine the role of this variant in disease. Therefore, it has been classified as a Variant of Uncertain Significance.

Blueprint Genetics
Classification: Uncertain significance. Last evaluated: 2024-03-20. Review status: criteria provided, single submitter. Criteria: ACMG Guidelines, 2015. Collection method: clinical testing. Allele origin: germline.

Women's Health and Genetics/Laboratory Corporation of America, LabCorp
Classification: Likely benign. Last evaluated: 2022-07-18. Review status: criteria provided, single submitter. Criteria: LabCorp Variant Classification Summary - May 2015. Collection method: clinical testing. Allele origin: germline.

Ambry Genetics
Classification: Likely benign for Cardiovascular phenotype. Last evaluated: 2022-03-08. Review status: criteria provided, single submitter. Criteria: Ambry Variant Classification Scheme 2023. Collection method: clinical testing. Allele origin: germline.

Fulgent Genetics
Classification: Uncertain significance for Naxos disease; Arrhythmogenic right ventricular dysplasia 12. Last evaluated: 2021-11-02. Review status: criteria provided, single submitter. Criteria: ACMG Guidelines, 2015. Collection method: clinical testing. Allele origin: unknown.

Illumina Laboratory Services, Illumina
Classification: Uncertain significance for Naxos disease. Last evaluated: 2018-01-12. Review status: criteria provided, single submitter. Criteria: ICSL Variant Classification Criteria 13 December 2019. Collection method: clinical testing. Allele origin: germline.

Illumina Laboratory Services, Illumina
Classification: Uncertain significance for Arrhythmogenic right ventricular dysplasia 12. Last evaluated: 2018-01-12. Review status: criteria provided, single submitter. Criteria: ICSL Variant Classification Criteria 13 December 2019. Collection method: clinical testing. Allele origin: germline.

Laboratory for Molecular Medicine, Mass General Brigham Personalized Medicine
Classification: Uncertain significance. Last evaluated: 2015-03-05. Review status: criteria provided, single submitter. Criteria: LMM Criteria. Collection method: clinical testing. Allele origin: germline. Observed: 1 variant allele.
Comment: The p.Lys345Asn variant in JUP has not been previously reported in individuals w ith cardiomyopathy, but has been identified in 9/67674 European chromosomes by t he Exome Aggregation Consortium (ExAC; dbSNP rs1 50194093). Computational prediction tools and conservation analysis suggest that this variant may impact the protein, though this information is not predictive enough to determine pathogenicity. In summary, the clinical significance of the p.Lys345Asn variant is uncertain.

GeneDx
Classification: Uncertain significance. Last evaluated: 2014-06-23. Review status: criteria provided, single submitter. Criteria: GeneDx Variant Classification (06012015). Collection method: clinical testing. Allele origin: germline. Affected: yes.
Comment: p.Lys345Asn (AAG>AAC): c.1035 G>C in exon 6 of the JUP gene (NM_002230.2). The K345N variant has not been published as a mutation, nor has it been reported as a benign polymorphism to our knowledge. The K345N variant was not observed in approximately 6,500 individuals of European and African American ancestry in the NHLBI Exome Sequencing Project, indicating it is not a common benign variant in these populations. The K345N variant is a semi-conservative amino acid substitution, which may impact secondary protein structure as these residues differ in some properties. This substitution occurs at a position that is conserved across species. In silico analysis predicts this variant is probably damaging to the protein structure/function. The variant is found in ARVC panel(s).

NM_002230.4(JUP):c.1035G>C (p.Lys345Asn)

Gene: JUP (junction plakoglobin; minus strand). Cytogenetic location: 17q21.2.
Variant type: single nucleotide variant.
Coding change: c.1035G>C on transcript NM_002230.4 (MANE Select); coding-DNA position 1035, G replaced by C.
Protein change: p.Lys345Asn; replaces lysine 345 with asparagine.
Molecular consequence: missense variant.
Genome position (GRCh38, 1-based): chr17:41,764,942, C>G on the plus strand (G>C on the coding strand, the complement: JUP is on the minus strand). VCF-style: chr17-41764942-C-G. GRCh37 (hg19) VCF-style: chr17-39921194-C-G.
Other names: p.K345N:AAG>AAC; c.1035G>C, p.Lys345Asn (NM_001352773.2, NM_001352774.2, NM_001352775.2 and 3 more transcripts); short protein forms K345N.
Identifiers: ClinVar variation 155802 (VCV000155802.22), dbSNP rs150194093, ClinGen allele CA308511.
Genomic context (GRCh38, chr17:41,764,942, plus strand): 5'-AGAGCTCCCACCCCAGCCGCCCTCAAGGCCATCATACTCACCAGCCTCCACAATGGCAGG[C>G]TTATTGCTGGGACACACGGATAGCACCTTGAGCACACGACTGGTGGTCCAGAGCAGCTTT-3'
Protein context (NP_002221.1, residues 335-355): LKVLSVCPSN[Lys345Asn]PAIVEAGGMQ